The following is an entry in ClinVar:

NM_001366385.1(CARD14):c.1082G>A (p.Arg361Gln)

Gene: CARD14 (caspase recruitment domain family member 14; plus strand). Cytogenetic location: 17q25.3.
Variant type: single nucleotide variant.
Coding change: c.1082G>A on transcript NM_001366385.1 (MANE Select); coding-DNA position 1082, G replaced by A.
Protein change: p.Arg361Gln; replaces arginine 361 with glutamine.
Molecular consequence: missense variant. On other transcripts: non-coding transcript variant (1).
Genome position (GRCh38, 1-based): chr17:80,190,892, G>A. VCF-style: chr17-80190892-G-A. GRCh37 (hg19) VCF-style: chr17-78164691-G-A.
Other names: c.371G>A, p.Arg124Gln (NM_052819.3); c.1082G>A, p.Arg361Gln (NM_001257970.1, NM_024110.4); c.1082G>A (NM_024110.3); short protein forms R361Q, R124Q.
Identifiers: ClinVar variation 971793 (VCV000971793.13), dbSNP rs763738345, ClinGen allele CA8816639.

ClinVar aggregate classification (germline): Uncertain significance. Review status: criteria provided, multiple submitters, no conflicts (2 of 4 stars). 4 submissions from 4 submitters: Uncertain significance (4). Last evaluated 2025-02-24.

Conditions:
Autoinflammatory syndrome. Identifiers: Orphanet 93665, MedGen C3890737, MONDO:0019751.
Pityriasis rubra pilaris (PRP). Also called: Pityriasis rubra pilaris--familial type. Identifiers: Orphanet 2897, MedGen C0032027, MONDO:0100017, OMIM 173200, MONDO:0008251.
Psoriasis 2. Identifiers: MedGen C1864497, MONDO:0011269, OMIM 602723.
Inborn genetic diseases. Identifiers: MedGen C0950123, MeSH D030342.

Allele frequency attached by ClinVar (database versions not stated): TOPMed 0.00001; ExAC 0.00006; gnomAD exomes 0.00006.
gnomAD v4.1: 82 of 1,612,588 alleles (0.0051%); highest among the groups gnomAD compares: South Asian, 0.044%; 1 homozygote.

Submissions (4):

Ambry Genetics
Classification: Uncertain significance for Inborn genetic diseases. Last evaluated: 2025-02-24. Review status: criteria provided, single submitter. Criteria: Ambry Variant Classification Scheme 2023. Collection method: clinical testing. Allele origin: germline.

Labcorp Genetics (formerly Invitae), Labcorp
Classification: Uncertain significance for Pityriasis rubra pilaris; Psoriasis 2. Last evaluated: 2024-02-16. Review status: criteria provided, single submitter. Criteria: Invitae Variant Classification Sherloc (09022015). Collection method: clinical testing. Allele origin: germline.
Comment: This sequence change replaces arginine, which is basic and polar, with glutamine, which is neutral and polar, at codon 361 of the CARD14 protein (p.Arg361Gln). This variant is present in population databases (rs763738345, gnomAD 0.04%), and has an allele count higher than expected for a pathogenic variant. This variant has not been reported in the literature in individuals affected with CARD14-related conditions. ClinVar contains an entry for this variant (Variation ID: 971793). Advanced modeling of protein sequence and biophysical properties (such as structural, functional, and spatial information, amino acid conservation, physicochemical variation, residue mobility, and thermodynamic stability) performed at Invitae indicates that this missense variant is expected to disrupt CARD14 protein function with a positive predictive value of 80%. In summary, the available evidence is currently insufficient to determine the role of this variant in disease. Therefore, it has been classified as a Variant of Uncertain Significance.

Department of Pathology and Laboratory Medicine, Sinai Health System
Classification: Uncertain significance for psoriasis 2. Last evaluated: 2021-07-30. Review status: criteria provided, single submitter. Criteria: ACMG Guidelines, 2015. Collection method: research. Allele origin: germline.

Genome Diagnostics Laboratory, The Hospital for Sick Children
Classification: Uncertain significance for Autoinflammatory syndrome. Last evaluated: 2020-12-15. Review status: criteria provided, single submitter. Criteria: ACMG Guidelines, 2015. Collection method: clinical testing. Allele origin: germline. Affected: yes.